The following is an entry in ClinVar:

NM_000969.5(RPL5):c.*1A>G

Genes: DIPK1A (divergent protein kinase domain 1A; minus strand), RPL5 (ribosomal protein L5; plus strand). Cytogenetic location: 1p22.1.
Variant type: single nucleotide variant.
Coding change: c.*1A>G on transcript NM_000969.5 (MANE Select); 1 bases downstream of the stop codon, A replaced by G.
Molecular consequence: 3 prime UTR variant. On other transcripts: non-coding transcript variant (1), intron variant (1).
Genome position (GRCh38, 1-based): chr1:92,841,866, A>G. VCF-style: chr1-92841866-A-G. GRCh37 (hg19) VCF-style: chr1-93307423-A-G.
Other names: c.474+5317T>C (NM_001252273.2).
Identifiers: ClinVar variation 1336090 (VCV001336090.8), dbSNP rs11540833, ClinGen allele CA952647.

ClinVar aggregate classification (germline): Conflicting classifications of pathogenicity. Review status: criteria provided, conflicting classifications (1 of 4 stars). 3 submissions from 3 submitters: Uncertain significance (1); Likely benign (2). Last evaluated 2024-09-18.

Conditions:
Diamond-Blackfan anemia. Also called: Blackfan Diamond syndrome; Aregenerative anemia chronic congenital; Red cell aplasia, pure hereditary; Congenital hypoplastic anemia; Aase syndrome. Identifiers: Orphanet 124, MedGen C1260899, MeSH D029503, MONDO:0015253, HP:0004810.

Allele frequency attached by ClinVar (database versions not stated): ExAC 0.00036; gnomAD 0.00115 and 0.00126; ESP Exome Variant Server 0.00117; gnomAD exomes 0.00010 and 0.00025; 1000 Genomes Project 30x 0.00047; TOPMed 0.00124; 1000 Genomes Project 0.00060.
gnomAD v4.1: 332 of 1,609,878 alleles (0.021%); highest among the groups gnomAD compares: African/African-American, 0.4%; 1 homozygote.

Submissions (3):

Blueprint Genetics
Classification: Likely benign. Last evaluated: 2024-09-18. Review status: criteria provided, single submitter. Criteria: ACMG Guidelines, 2015. Collection method: clinical testing. Allele origin: germline.

Genetic Services Laboratory, University of Chicago
Classification: Likely benign. Last evaluated: 2017-10-27. Review status: criteria provided, single submitter. Criteria: ACMG Guidelines, 2015. Collection method: clinical testing. Allele origin: germline. Affected: no.

Ambry Genetics
Classification: Uncertain significance for Diamond-Blackfan anemia. Last evaluated: 2014-08-28. Review status: criteria provided, single submitter. Criteria: Ambry Variant Classification Scheme 2023. Collection method: clinical testing. Allele origin: germline.
Comment: The c.*1A>G variant is located in the 3' untranslated region (3 UTR) of the RPL5 gene. This variant results from an A to G substitution the last translated codon. This variant was previously reported in the SNPDatabase as rs11540833. Based on data from the 1000 Genomes Project, the G allele has an overall frequency of approximately 0.1% (2/2098) total alleles studied. The highest observed frequency was 1.22% (2/164) Luhya alleles. Based on data from the NHLBI Exome Sequencing Project (ESP), the G allele has an overall frequency of approximately 0.12% (15/12780) total alleles studied, having been observed in 0.34% (15/4366) African American alleles. This nucleotide position is not well conserved in available vertebrate species on limited alignment. In addition, G is the reference nucleotide in chicken, zebra finch and lizard. Since supporting evidence is limited at this time, the clinical significance of this variant remains unclear.